The following is an entry in ClinVar:

ClinVar aggregate classification (germline): Uncertain significance. Review status: criteria provided, single submitter (1 of 4 stars). 2 submissions from 2 submitters: Uncertain significance (1). 1 of the submissions does not count toward it. Last evaluated 2024-02-27.

Conditions:
Duane retraction syndrome. Also called: Duane anomaly; Duane Syndrome; Duane's syndrome; RETRACTION SYNDROME. Identifiers: Orphanet 233, MedGen C0013261, MONDO:0007473, HP:0009921.
GNAS-related disorder. Identifiers: MedGen CN380105.

Allele frequency attached by ClinVar (database versions not stated): TOPMed below 0.00001; gnomAD exomes 0.00001; ExAC 0.00004.
gnomAD v4.1: 17 of 1,612,858 alleles (0.0011%); highest among the groups gnomAD compares: Admixed American, 0.0017%; no homozygotes.

Submissions (2):

Broad Center for Mendelian Genomics, Broad Institute of MIT and Harvard
Classification: Uncertain significance for Duane retraction syndrome. Last evaluated: 2024-02-27. Review status: criteria provided, single submitter. Criteria: ACMG Guidelines, 2015. Collection method: curation. Allele origin: germline. Inheritance: Autosomal dominant inheritance.
Comment: While this gene has a strong gene-disease association with pseudohypoparathyroidism and McCune-Albright syndrome, it is lacking sufficient evidence to establish a gene-disease relationship for DRS. We believe this is a possible novel gene candidate for DRS. Given the limited information about this gene-disease relationship, the significance of the p.Gly238Glu variant is uncertain. If you have any additional information about functional evidence or other individuals with this phenotype that also have variants in GNAS we encourage you to reach out to the Engle Lab.

PreventionGenetics, part of Exact Sciences
Classification: Uncertain significance for GNAS-related condition. Last evaluated: 2024-08-16. Review status: no assertion criteria provided. Collection method: clinical testing. Allele origin: germline. Not counted in ClinVar's aggregate classification.
Comment: The GNAS c.713G>A variant is predicted to result in the amino acid substitution p.Gly238Glu. In the canonical transcript NM_000516.5 this variant is precoding (c.-50908G>A). To our knowledge, this variant has not been reported in the literature. This variant is reported in 0.0036% of alleles in individuals of European (Non-Finnish) descent in gnomAD. At this time, the clinical significance of this variant is uncertain due to the absence of conclusive functional and genetic evidence.

NM_016592.5(GNAS):c.713G>A (p.Gly238Glu)

Genes: GNAS (GNAS complex locus; plus strand), GNAS-AS1 (GNAS antisense RNA 1; minus strand). Cytogenetic location: 20q13.32.
Variant type: single nucleotide variant.
Coding change: c.713G>A on transcript NM_016592.5 (MANE Plus Clinical); coding-DNA position 713, G replaced by A.
Protein change: p.Gly238Glu; replaces glycine 238 with glutamic acid.
Molecular consequence: missense variant. On other transcripts: 5 prime UTR variant (1).
Genome position (GRCh38, 1-based): chr20:58,840,819, G>A. VCF-style: chr20-58840819-G-A. GRCh37 (hg19) VCF-style: chr20-57415874-G-A.
Other names: NM_016592.5:c.713G>A; c.-25G>A (NM_001410912.1); short protein forms G238E.
Identifiers: ClinVar variation 3024406 (VCV003024406.2), dbSNP rs764628148, ClinGen allele CA9926389.